The following is an entry in ClinVar:

NM_000252.3(MTM1):c.678A>G (p.Pro226=)

Gene: MTM1 (myotubularin 1; plus strand). Cytogenetic location: Xq28.
Variant type: single nucleotide variant.
Coding change: c.678A>G on transcript NM_000252.3 (MANE Select); coding-DNA position 678, A replaced by G.
Protein change: p.Pro226=; no amino-acid change (proline 226 retained).
Molecular consequence: synonymous variant.
Genome position (GRCh38, 1-based): chrX:150,641,418, A>G. VCF-style: chrX-150641418-A-G. GRCh37 (hg19) VCF-style: chrX-149809891-A-G.
Other names: c.678A>G, p.Pro226= (NM_001376906.1, NM_001376908.1); c.567A>G, p.Pro189= (NM_001376907.1).
Identifiers: ClinVar variation 2721754 (VCV002721754.3), dbSNP rs2522362737, ClinGen allele CA519113340.

ClinVar aggregate classification (germline): Uncertain significance (1 of 4 stars; one submission).

Conditions:
Severe X-linked myotubular myopathy (CNMX). Also called: X-linked centronuclear myopathy; MYOTUBULAR MYOPATHY 1; Myotubular myopathy, X-linked. Identifiers: Orphanet 596, MedGen C0410203, MONDO:0010683, OMIM 310400.

Allele frequency attached by ClinVar (database versions not stated): gnomAD exomes below 0.00001.
gnomAD v4.1: 2 of 1,211,085 alleles (0.00017%); highest among the groups gnomAD compares: Non-Finnish European, 0.00022%; no homozygotes.

Submission:

Labcorp Genetics (formerly Invitae), Labcorp
Classification: Uncertain significance for Severe X-linked myotubular myopathy. Last evaluated: 2023-11-17. Review status: criteria provided, single submitter. Criteria: Invitae Variant Classification Sherloc (09022015). Collection method: clinical testing. Allele origin: germline.
Comment: This sequence change affects codon 226 of the MTM1 mRNA. It is a 'silent' change, meaning that it does not change the encoded amino acid sequence of the MTM1 protein. It affects a nucleotide within the consensus splice site. This variant is not present in population databases (gnomAD no frequency). This variant has not been reported in the literature in individuals affected with MTM1-related conditions. Algorithms developed to predict the effect of sequence changes on RNA splicing suggest that this variant is not likely to affect RNA splicing. In summary, the available evidence is currently insufficient to determine the role of this variant in disease. Therefore, it has been classified as a Variant of Uncertain Significance.